The following is an entry in ClinVar:

NM_001371928.1(AHDC1):c.2468C>T (p.Ser823Leu)

Gene: AHDC1 (AT-hook DNA binding motif containing 1; minus strand). Cytogenetic location: 1p36.11.
Variant type: single nucleotide variant.
Coding change: c.2468C>T on transcript NM_001371928.1 (MANE Select); coding-DNA position 2468, C replaced by T.
Protein change: p.Ser823Leu; replaces serine 823 with leucine.
Molecular consequence: missense variant.
Genome position (GRCh38, 1-based): chr1:27,549,648, G>A on the plus strand (C>T on the coding strand, the complement: AHDC1 is on the minus strand). VCF-style: chr1-27549648-G-A. GRCh37 (hg19) VCF-style: chr1-27876159-G-A.
Other names: c.2468C>T, p.Ser823Leu (NM_001029882.3); short protein forms S823L.
Identifiers: ClinVar variation 1951687 (VCV001951687.5), dbSNP rs2521934782, ClinGen allele CA339230467.

ClinVar aggregate classification (germline): Uncertain significance (1 of 4 stars; one submission).

Submission:

Labcorp Genetics (formerly Invitae), Labcorp
Classification: Uncertain significance. Last evaluated: 2022-06-09. Review status: criteria provided, single submitter. Criteria: Invitae Variant Classification Sherloc (09022015). Collection method: clinical testing. Allele origin: germline.
Comment: In summary, the available evidence is currently insufficient to determine the role of this variant in disease. Therefore, it has been classified as a Variant of Uncertain Significance. Algorithms developed to predict the effect of missense changes on protein structure and function are either unavailable or do not agree on the potential impact of this missense change (SIFT: "Deleterious"; PolyPhen-2: "Benign"; Align-GVGD: "Class C0"). This variant has not been reported in the literature in individuals affected with AHDC1-related conditions. This variant is not present in population databases (gnomAD no frequency). This sequence change replaces serine, which is neutral and polar, with leucine, which is neutral and non-polar, at codon 823 of the AHDC1 protein (p.Ser823Leu).